The following is an entry in ClinVar:

ClinVar aggregate classification (germline): Benign/Likely benign. Review status: criteria provided, multiple submitters, no conflicts (2 of 4 stars). 4 submissions from 4 submitters: Benign (2); Likely benign (2). Last evaluated 2026-01-12.

Conditions:
Congenital disorder of glycosylation type 1E (CDG1E). Also called: CDG Ie; CONGENITAL DISORDER OF GLYCOSYLATION, TYPE Ie. Identifiers: Orphanet 79322, MedGen C1837396, MONDO:0012123, OMIM 608799.

Allele frequency attached by ClinVar (database versions not stated): gnomAD exomes 0.00042; ExAC 0.00051; ESP Exome Variant Server 0.00093; gnomAD 0.00131 and 0.00140; TOPMed 0.00159; 1000 Genomes Project 0.00240; 1000 Genomes Project 30x 0.00250.
gnomAD v4.1: 430 of 1,544,718 alleles (0.028%); highest among the groups gnomAD compares: African/African-American, 0.5%; no homozygotes.

Submissions (4):

Labcorp Genetics (formerly Invitae), Labcorp
Classification: Benign for Congenital disorder of glycosylation type 1E. Last evaluated: 2026-01-12. Review status: criteria provided, single submitter. Criteria: Invitae Variant Classification Sherloc (09022015). Collection method: clinical testing. Allele origin: germline.

ARUP Laboratories, Molecular Genetics and Genomics, ARUP Laboratories
Classification: Benign for Congenital disorder of glycosylation type 1E. Last evaluated: 2025-03-13. Review status: criteria provided, single submitter. Criteria: ARUP Molecular Germline Variant Investigation Process 2024. Collection method: clinical testing. Allele origin: germline.

Blueprint Genetics
Classification: Likely benign. Last evaluated: 2024-09-18. Review status: criteria provided, single submitter. Criteria: ACMG Guidelines, 2015. Collection method: clinical testing. Allele origin: germline.

GeneDx
Classification: Likely benign. Last evaluated: 2017-08-31. Review status: criteria provided, single submitter. Criteria: GeneDx Variant Classification (06012015). Collection method: clinical testing. Allele origin: germline. Affected: yes.
Comment: This variant is considered likely benign or benign based on one or more of the following criteria: it is a conservative change, it occurs at a poorly conserved position in the protein, it is predicted to be benign by multiple in silico algorithms, and/or has population frequency not consistent with disease.

NM_003859.3(DPM1):c.398+13T>C

Gene: DPM1 (dolichyl-phosphate mannosyltransferase subunit 1, catalytic; minus strand). Cytogenetic location: 20q13.13.
Variant type: single nucleotide variant.
Coding change: c.398+13T>C on transcript NM_003859.3 (MANE Select); 13 bases into the intron after coding-DNA position 398, T replaced by C.
Molecular consequence: intron variant.
Genome position (GRCh38, 1-based): chr20:50,945,724, A>G on the plus strand (T>C on the coding strand, the complement: DPM1 is on the minus strand). VCF-style: chr20-50945724-A-G. GRCh37 (hg19) VCF-style: chr20-49562261-A-G.
Other names: c.398+13T>C (NM_001317036.1, NM_001317035.1, NM_001317034.1).
Identifiers: ClinVar variation 507514 (VCV000507514.11), dbSNP rs201703497, ClinGen allele CA9909121.